The following is an entry in ClinVar:

ClinVar aggregate classification (germline): Pathogenic/Likely pathogenic. Review status: criteria provided, multiple submitters, no conflicts (2 of 4 stars). 3 submissions from 3 submitters: Pathogenic (2); Likely pathogenic (1). Last evaluated 2025-10-07.

Conditions:
SPAST-related disorder. Also called: SPAST-related condition.
Hereditary spastic paraplegia 4. Also called: Spastic paraplegia 4, autosomal dominant; Familial spastic paraplegia autosomal dominant 2; Spastic Paraplegia 4. Identifiers: Orphanet 100985, MedGen C1866855, MONDO:0008438, OMIM 182601.

Allele frequency attached by ClinVar (database versions not stated): gnomAD exomes below 0.00001.
gnomAD v4.1: 1 of 1,607,710 alleles (0.000062%); highest among the groups gnomAD compares: Non-Finnish European, 0.000085%; no homozygotes.

Submissions (4):

Labcorp Genetics (formerly Invitae), Labcorp
Classification: Pathogenic for Hereditary spastic paraplegia 4. Last evaluated: 2025-10-07. Review status: criteria provided, single submitter. Criteria: Invitae Variant Classification Sherloc (09022015). Collection method: clinical testing. Allele origin: germline.
Comment: This sequence change affects an acceptor splice site in intron 15 of the SPAST gene. It is expected to disrupt RNA splicing. Variants that disrupt the donor or acceptor splice site typically lead to a loss of protein function (PMID: 16199547), and loss-of-function variants in SPAST are known to be pathogenic (PMID: 20932283). This variant is not present in population databases (gnomAD no frequency). Disruption of this splice site has been observed in individuals with hereditary spastic paraplegia (PMID: 27334366). ClinVar contains an entry for this variant (Variation ID: 649713). Algorithms developed to predict the effect of sequence changes on RNA splicing suggest that this variant may disrupt the consensus splice site. For these reasons, this variant has been classified as Pathogenic.

Athena Diagnostics
Classification: Pathogenic. Last evaluated: 2021-10-29. Review status: criteria provided, single submitter. Criteria: Athena Diagnostics Criteria. Collection method: clinical testing. Allele origin: unknown.
Comment: This variant is expected to severely impact normal RNA splicing, and consequently, protein structure and/or function. This variant has not been reported in large, multi-ethnic general populations. This variant has been identified in at least one individual with clinical features associated with this gene.

Blueprint Genetics
Classification: Likely pathogenic for SPAST-related disorders. Last evaluated: 2020-02-27. Review status: criteria provided, single submitter. Criteria: ACMG Guidelines, 2015. Collection method: clinical testing. Allele origin: germline. Affected: yes. Observed: 2 variant alleles.

Dr. Peter K. Rogan Lab, Western University
No classification provided (evidence only). Condition: Melanoma. Review status: no classification provided. Collection method: in vitro. Allele origin: not applicable. Functional consequence: skipped exon. Not counted in ClinVar's aggregate classification.

Literature cited by the submitters: PubMed 16199547 (cited by Labcorp Genetics (formerly Invitae), Labcorp); PubMed 20932283 (cited by Labcorp Genetics (formerly Invitae), Labcorp); PubMed 27334366 (cited by Labcorp Genetics (formerly Invitae), Labcorp); PubMed 30476002 (cited by Athena Diagnostics).

NM_014946.4(SPAST):c.1688-1G>A

Gene: SPAST (spastin; plus strand). Cytogenetic location: 2p22.3.
Variant type: single nucleotide variant.
Coding change: c.1688-1G>A on transcript NM_014946.4 (MANE Select); the canonical splice acceptor site of the intron before coding-DNA position 1688, G replaced by A.
Molecular consequence: splice acceptor variant.
Genome position (GRCh38, 1-based): chr2:32,147,217, G>A. VCF-style: chr2-32147217-G-A. GRCh37 (hg19) VCF-style: chr2-32372286-G-A.
Other names: c.1592-1G>A (NM_199436.2); c.1521-1G>A (NM_001377959.1); c.1685-1G>A (NM_001363823.2); c.1589-1G>A (NM_001363875.2).
Identifiers: ClinVar variation 649713 (VCV000649713.12), dbSNP rs1573174147, ClinGen allele CA346504301.